The following is an entry in ClinVar:

NM_000182.5(HADHA):c.1538C>T (p.Thr513Met)

Genes: GAREM2 (GRB2 associated regulator of MAPK1 subtype 2; plus strand), HADHA (hydroxyacyl-CoA dehydrogenase trifunctional multienzyme complex subunit alpha; minus strand). Cytogenetic location: 2p23.3.
Variant type: single nucleotide variant.
Coding change: c.1538C>T on transcript NM_000182.5 (MANE Select); coding-DNA position 1538, C replaced by T.
Protein change: p.Thr513Met; replaces threonine 513 with methionine.
Molecular consequence: missense variant.
Genome position (GRCh38, 1-based): chr2:26,195,174, G>A on the plus strand (C>T on the coding strand, the complement: HADHA is on the minus strand). VCF-style: chr2-26195174-G-A. GRCh37 (hg19) VCF-style: chr2-26418043-G-A.
Other names: c.1538C>T (NM_000182.4); short protein forms T513M.
Identifiers: ClinVar variation 2164512 (VCV002164512.5), dbSNP rs763333426, ClinGen allele CA1559536.

ClinVar aggregate classification (germline): Uncertain significance. Review status: criteria provided, multiple submitters, no conflicts (2 of 4 stars). 3 submissions from 3 submitters: Uncertain significance (3). Last evaluated 2025-07-31.

Conditions:
Long chain 3-hydroxyacyl-CoA dehydrogenase deficiency. Also called: Deficiency of long-chain 3-hydroxyacyl-coenzyme A dehydrogenase; LCHAD Deficiency. Identifiers: Orphanet 5, MedGen C3711645, MONDO:0012173, OMIM 609016.
Mitochondrial trifunctional protein deficiency. Identifiers: Orphanet 746, MedGen C1969443, MONDO:0012172.
Inborn genetic diseases. Identifiers: MedGen C0950123, MeSH D030342.

Allele frequency attached by ClinVar (database versions not stated): gnomAD 0.00003; TOPMed 0.00003; ExAC 0.00007.
gnomAD v4.1: 75 of 1,611,356 alleles (0.0047%); highest among the groups gnomAD compares: East Asian, 0.022%; no homozygotes.

Submissions (3):

GeneDx
Classification: Uncertain significance. Last evaluated: 2025-07-31. Review status: criteria provided, single submitter. Criteria: GeneDx Variant Classification Process June 2021. Collection method: clinical testing. Allele origin: germline. Affected: yes.
Comment: In silico analysis supports that this missense variant has a deleterious effect on protein structure/function; Has not been previously published as pathogenic or benign to our knowledge

Ambry Genetics
Classification: Uncertain significance for Inborn genetic diseases. Last evaluated: 2025-05-07. Review status: criteria provided, single submitter. Criteria: Ambry Variant Classification Scheme 2023. Collection method: clinical testing. Allele origin: germline.

Labcorp Genetics (formerly Invitae), Labcorp
Classification: Uncertain significance for Mitochondrial trifunctional protein deficiency; Long chain 3-hydroxyacyl-CoA dehydrogenase deficiency. Last evaluated: 2023-12-28. Review status: criteria provided, single submitter. Criteria: Invitae Variant Classification Sherloc (09022015). Collection method: clinical testing. Allele origin: germline.
Comment: This sequence change replaces threonine, which is neutral and polar, with methionine, which is neutral and non-polar, at codon 513 of the HADHA protein (p.Thr513Met). The frequency data for this variant in the population databases is considered unreliable, as metrics indicate poor data quality at this position in the gnomAD database. This variant has not been reported in the literature in individuals affected with HADHA-related conditions. ClinVar contains an entry for this variant (Variation ID: 2164512). Advanced modeling of protein sequence and biophysical properties (such as structural, functional, and spatial information, amino acid conservation, physicochemical variation, residue mobility, and thermodynamic stability) has been performed at Invitae for this missense variant, however the output from this modeling did not meet the statistical confidence thresholds required to predict the impact of this variant on HADHA protein function. In summary, the available evidence is currently insufficient to determine the role of this variant in disease. Therefore, it has been classified as a Variant of Uncertain Significance.